The following is an entry in ClinVar:

NM_001037161.2(ACOT1):c.85G>A (p.Glu29Lys)

Genes: ACOT1 (acyl-CoA thioesterase 1; plus strand), HEATR4 (HEAT repeat containing 4; minus strand). Cytogenetic location: 14q24.3.
Variant type: single nucleotide variant.
Coding change: c.85G>A on transcript NM_001037161.2 (MANE Select); coding-DNA position 85, G replaced by A.
Protein change: p.Glu29Lys; replaces glutamic acid 29 with lysine.
Molecular consequence: missense variant. On other transcripts: intron variant (2).
Genome position (GRCh38, 1-based): chr14:73,537,506, G>A. VCF-style: chr14-73537506-G-A. GRCh37 (hg19) VCF-style: chr14-74004210-G-A.
Other names: c.-72-14282C>T (NM_203309.2); c.-151-7262C>T (NM_001220484.1); short protein forms E29K.
Identifiers: ClinVar variation 3067179 (VCV003067179.21), dbSNP rs199573594, ClinGen allele CA7260323.

ClinVar aggregate classification (germline): Benign (1 of 4 stars; one submission).

Allele frequency attached by ClinVar (database versions not stated): 1000 Genomes Project 0.00160; 1000 Genomes Project 30x 0.00187; gnomAD 0.00487; ExAC 0.00506; gnomAD exomes 0.00956.
gnomAD v4.1: 11,091 of 1,215,596 alleles (0.91%); highest among the groups gnomAD compares: Non-Finnish European, 1.1%; 3,434 homozygotes.

Submission:

CeGaT Center for Human Genetics Tuebingen
Classification: Benign. Last evaluated: 2024-03-01. Review status: criteria provided, single submitter. Criteria: CeGaT Center For Human Genetics Tuebingen Variant Classification Criteria Version 2. Collection method: clinical testing. Allele origin: germline. Affected: yes. Observed: 1 variant allele.
Comment: ACOT1: BP4, BS1, BS2